The following is an entry in ClinVar:

NM_018344.6(SLC29A3):c.611-1G>T

Gene: SLC29A3 (solute carrier family 29 member 3; plus strand). Cytogenetic location: 10q22.1.
Variant type: single nucleotide variant.
Coding change: c.611-1G>T on transcript NM_018344.6 (MANE Select); the canonical splice acceptor site of the intron before coding-DNA position 611, G replaced by T.
Molecular consequence: splice acceptor variant.
Genome position (GRCh38, 1-based): chr10:71,356,080, G>T. VCF-style: chr10-71356080-G-T. GRCh37 (hg19) VCF-style: chr10-73115837-G-T.
Other names: c.377-1G>T (NM_001363518.2); c.611-1G>T (NM_001174098.2).
Identifiers: ClinVar variation 659679 (VCV000659679.12), dbSNP rs139857136, ClinGen allele CA5542994.

ClinVar aggregate classification (germline): Likely pathogenic. Review status: criteria provided, multiple submitters, no conflicts (2 of 4 stars). 3 submissions from 3 submitters: Likely pathogenic (3). Last evaluated 2026-06-09.

Conditions:
SLC29A3-related disorder. Also called: SLC29A3-related condition.
H syndrome. Also called: FAISALABAD HISTIOCYTOSIS; Histiocytosis with joint contractures and sensorineural deafness; HISTIOCYTOSIS AND LYMPHADENOPATHY WITH OR WITHOUT CUTANEOUS, CARDIAC, AND/OR ENDOCRINE FEATURES, JOINT CONTRACTURES, AND/OR DEAFNESS; HYPERPIGMENTATION, CUTANEOUS, WITH HYPERTRICHOSIS, HEPATOSPLENOMEGALY, HEART ANOMALIES, AND HYPOGONADISM WITH OR WITHOUT HEARING LOSS; PIGMENTED HYPERTRICHOSIS WITH INSULIN-DEPENDENT DIABETES MELLITUS; ROSAI-DORFMAN DISEASE, FAMILIAL. Identifiers: Orphanet 168569, MedGen C1864445, MONDO:0011273, OMIM 602782.

Allele frequency attached by ClinVar (database versions not stated): ExAC 0.00001; gnomAD 0.00002; gnomAD exomes 0.00002 and 0.00005; TOPMed 0.00002; ESP Exome Variant Server 0.00008.
gnomAD v4.1: 69 of 1,613,786 alleles (0.0043%); highest among the groups gnomAD compares: Non-Finnish European, 0.0055%; no homozygotes.

Submissions (4):

Women's Health and Genetics/Laboratory Corporation of America, LabCorp
Classification: Likely pathogenic for H syndrome. Last evaluated: 2026-06-09. Review status: criteria provided, single submitter. Criteria: LabCorp Variant Classification Summary - May 2015. Collection method: clinical testing. Allele origin: germline.
Comment: Variant summary: SLC29A3 c.611-1G>T is located in a canonical splice-site and is predicted to affect mRNA splicing resulting in a significantly altered protein due to either exon skipping, shortening, or inclusion of intronic material. Variants that disrupt the consensus splice site are a relatively common cause of aberrant splicing and loss of SLC29A3 function. Several computational tools predict a significant impact on normal splicing: Four predict the variant abolishes a canonical 3' acceptor site. However, these predictions have yet to be confirmed by functional studies. The variant allele was found at a frequency of 1.6e-05 in 251280 control chromosomes. To our knowledge, no occurrence of c.611-1G>T in individuals affected with SLC29A3-related conditions and no experimental evidence demonstrating its impact on protein function have been reported. ClinVar contains an entry for this variant (Variation ID: 659679). Based on the evidence outlined above, the variant was classified as likely pathogenic.

Labcorp Genetics (formerly Invitae), Labcorp
Classification: Likely pathogenic for H syndrome. Last evaluated: 2025-08-15. Review status: criteria provided, single submitter. Criteria: Invitae Variant Classification Sherloc (09022015). Collection method: clinical testing. Allele origin: germline.
Comment: This sequence change affects an acceptor splice site in intron 4 of the SLC29A3 gene. It is expected to disrupt RNA splicing. Variants that disrupt the donor or acceptor splice site typically lead to a loss of protein function (PMID: 16199547), and loss-of-function variants in SLC29A3 are known to be pathogenic (PMID: 19336477, 20595384, 23406517, 25963354). This variant is present in population databases (rs139857136, gnomAD 0.003%). This variant has not been reported in the literature in individuals affected with SLC29A3-related conditions. ClinVar contains an entry for this variant (Variation ID: 659679). Algorithms developed to predict the effect of sequence changes on RNA splicing suggest that this variant may disrupt the consensus splice site. In summary, the currently available evidence indicates that the variant is pathogenic, but additional data are needed to prove that conclusively. Therefore, this variant has been classified as Likely Pathogenic.

Blueprint Genetics
Classification: Likely pathogenic for SLC29A3-related disorders. Last evaluated: 2024-08-28. Review status: criteria provided, single submitter. Criteria: ACMG Guidelines, 2015. Collection method: clinical testing. Allele origin: germline. Affected: yes. Observed: 3 variant alleles.

Dr. Peter K. Rogan Lab, Western University
No classification provided (evidence only). Condition: Thyroid cancer, nonmedullary, 1. Review status: no classification provided. Collection method: in vitro. Allele origin: not applicable. Functional consequence: skipped exon, retained intron. Not counted in ClinVar's aggregate classification.

Literature cited by the submitters: PubMed 16199547 (cited by Labcorp Genetics (formerly Invitae), Labcorp); PubMed 19336477 (cited by Labcorp Genetics (formerly Invitae), Labcorp); PubMed 20595384 (cited by Labcorp Genetics (formerly Invitae), Labcorp); PubMed 23406517 (cited by Labcorp Genetics (formerly Invitae), Labcorp); PubMed 25963354 (cited by Labcorp Genetics (formerly Invitae), Labcorp).